The following is an entry in ClinVar:

NM_000477.5(ALB):c.67C>T (p.Arg23Cys)

Gene: ALB (albumin; plus strand). Cytogenetic location: 4q13.3.
Variant type: single nucleotide variant.
Coding change: c.67C>T on transcript NM_000477.5; coding-DNA position 67, C replaced by T.
Protein change: p.Arg23Cys; replaces arginine 23 with cysteine.
Molecular consequence: missense variant (on NM_000477.7).
Genome position (GRCh38, 1-based): chr4:73,404,394, C>T. VCF-style: chr4-73404394-C-T. GRCh37 (hg19) VCF-style: chr4-74270111-C-T.
Other names: PROALBUMIN TRADATE; proalbumin Malmo; c.67C>T, p.Arg23Cys (NM_000477.7); short protein forms R23C.
Identifiers: ClinVar variation 18213 (VCV000018213.8), dbSNP rs80008208, ClinGen allele CA127930.

ClinVar aggregate classification (germline): Uncertain significance. Review status: criteria provided, multiple submitters, no conflicts (2 of 4 stars). 3 submissions from 3 submitters: Uncertain significance (2). 1 of the submissions does not count toward it. Last evaluated 2025-06-17.

Conditions:
Hyperthyroxinemia, familial dysalbuminemic (FDAH). Also called: EUTHYROID HYPERTHYROXINEMIA 1. Identifiers: MedGen C0342185, MONDO:0014448, OMIM 615999.
PROALBUMIN MALMO.

Allele frequency attached by ClinVar (database versions not stated): gnomAD 0.00009; ExAC 0.00012; TOPMed 0.00009; gnomAD exomes 0.00010 and 0.00012.
gnomAD v4.1: 189 of 1,612,254 alleles (0.012%); highest among the groups gnomAD compares: Non-Finnish European, 0.015%; no homozygotes.

Submissions (3):

Labcorp Genetics (formerly Invitae), Labcorp
Classification: Uncertain significance. Last evaluated: 2025-06-17. Review status: criteria provided, single submitter. Criteria: Invitae Variant Classification Sherloc (09022015). Collection method: clinical testing. Allele origin: germline.
Comment: This sequence change replaces arginine, which is basic and polar, with cysteine, which is neutral and slightly polar, at codon 23 of the ALB protein (p.Arg23Cys). This variant is present in population databases (rs80008208, gnomAD 0.02%). This missense change has been observed in individual(s) with abnormal serum albumin (PMID: 2104980, 2339130). This variant is also known as -2 Arg>Cys or Malmo I. ClinVar contains an entry for this variant (Variation ID: 18213). Invitae Evidence Modeling of protein sequence and biophysical properties (such as structural, functional, and spatial information, amino acid conservation, physicochemical variation, residue mobility, and thermodynamic stability) indicates that this missense variant is expected to disrupt ALB protein function with a positive predictive value of 80%. In summary, the available evidence is currently insufficient to determine the role of this variant in disease. Therefore, it has been classified as a Variant of Uncertain Significance.

Illumina Laboratory Services, Illumina
Classification: Uncertain significance for Hyperthyroxinemia, familial dysalbuminemic. Last evaluated: 2017-04-27. Review status: criteria provided, single submitter. Criteria: ICSL Variant Classification Criteria 13 December 2019. Collection method: clinical testing. Allele origin: germline.
Comment: This variant was observed as part of a predisposition screen in an ostensibly healthy population. A literature search was performed for the gene, cDNA change, and amino acid change (where applicable). Publications were found based on this search. However, the evidence from the literature, in combination with allele frequency data from public databases where available, was not sufficient to rule this variant in or out of causing disease. Therefore, this variant is classified as a variant of unknown significance.

OMIM
Classification: other for PROALBUMIN MALMO. Last evaluated: 2019-07-18. Review status: no assertion criteria provided. Collection method: literature only. Allele origin: germline. Not counted in ClinVar's aggregate classification.

Literature cited by the submitters: PubMed 2104980 (cited by Labcorp Genetics (formerly Invitae), Labcorp and Illumina Laboratory Services, Illumina); PubMed 2339130 (cited by Labcorp Genetics (formerly Invitae), Labcorp and Illumina Laboratory Services, Illumina); PubMed 22230555 (cited by Illumina Laboratory Services, Illumina); PubMed 683332 (cited by OMIM); PubMed 5926635 (cited by OMIM).